The following is an entry in ClinVar:

NM_139321.3(ATRN):c.1151G>T (p.Arg384Leu)

Gene: ATRN (attractin; plus strand). Cytogenetic location: 20p13.
Variant type: single nucleotide variant.
Coding change: c.1151G>T on transcript NM_139321.3 (MANE Select); coding-DNA position 1151, G replaced by T.
Protein change: p.Arg384Leu; replaces arginine 384 with leucine.
Molecular consequence: missense variant.
Genome position (GRCh38, 1-based): chr20:3,559,431, G>T. VCF-style: chr20-3559431-G-T. GRCh37 (hg19) VCF-style: chr20-3540078-G-T.
Other names: c.803G>T, p.Arg268Leu (NM_001207047.3); c.1151G>T, p.Arg384Leu (NM_001323332.2, NM_139322.4); short protein forms R268L, R384L.
Identifiers: ClinVar variation 1481830 (VCV001481830.6), dbSNP rs997247524, ClinGen allele CA408253991.

ClinVar aggregate classification (germline): Uncertain significance (1 of 4 stars; one submission).

Submission:

Labcorp Genetics (formerly Invitae), Labcorp
Classification: Uncertain significance. Last evaluated: 2021-12-03. Review status: criteria provided, single submitter. Criteria: Invitae Variant Classification Sherloc (09022015). Collection method: clinical testing. Allele origin: germline.
Comment: In summary, the available evidence is currently insufficient to determine the role of this variant in disease. Therefore, it has been classified as a Variant of Uncertain Significance. This sequence change replaces arginine, which is basic and polar, with leucine, which is neutral and non-polar, at codon 384 of the ATRN protein (p.Arg384Leu). This variant is not present in population databases (gnomAD no frequency). This variant has not been reported in the literature in individuals affected with ATRN-related conditions. Algorithms developed to predict the effect of missense changes on protein structure and function (SIFT, PolyPhen-2, Align-GVGD) all suggest that this variant is likely to be tolerated.